The following is an entry in ClinVar:

ClinVar aggregate classification (germline): Uncertain significance (1 of 4 stars; one submission).

Conditions:
Gastrointestinal stromal tumor. Also called: Gastrointestinal stroma tumor; Gastrointestinal stromal tumor, somatic. Identifiers: Orphanet 44890, MedGen C0238198, MeSH D046152, MONDO:0011719, OMIM 606764, HP:0100723.

Allele frequency attached by ClinVar (database versions not stated): gnomAD exomes below 0.00001; ExAC 0.00001.
gnomAD v4.1: 2 of 1,614,156 alleles (0.00012%); highest among the groups gnomAD compares: East Asian, 0.0022%; no homozygotes.

Submission:

Labcorp Genetics (formerly Invitae), Labcorp
Classification: Uncertain significance for Gastrointestinal stromal tumor. Last evaluated: 2022-06-17. Review status: criteria provided, single submitter. Criteria: Invitae Variant Classification Sherloc (09022015). Collection method: clinical testing. Allele origin: germline.
Comment: This variant has not been reported in the literature in individuals affected with PDGFRA-related conditions. In summary, the available evidence is currently insufficient to determine the role of this variant in disease. Therefore, it has been classified as a Variant of Uncertain Significance. Algorithms developed to predict the effect of missense changes on protein structure and function (SIFT, PolyPhen-2, Align-GVGD) all suggest that this variant is likely to be tolerated. This variant is present in population databases (rs753461949, gnomAD 0.006%). This sequence change replaces threonine, which is neutral and polar, with isoleucine, which is neutral and non-polar, at codon 105 of the PDGFRA protein (p.Thr105Ile).

NM_006206.6(PDGFRA):c.314C>T (p.Thr105Ile)

Gene: PDGFRA (platelet derived growth factor receptor alpha; plus strand). Cytogenetic location: 4q12.
Variant type: single nucleotide variant.
Coding change: c.314C>T on transcript NM_006206.6 (MANE Select); coding-DNA position 314, C replaced by T.
Protein change: p.Thr105Ile; replaces threonine 105 with isoleucine.
Molecular consequence: missense variant.
Genome position (GRCh38, 1-based): chr4:54,261,359, C>T. VCF-style: chr4-54261359-C-T. GRCh37 (hg19) VCF-style: chr4-55127526-C-T.
Other names: c.314C>T, p.Thr105Ile (NM_001347827.2, NM_001347829.2); c.389C>T, p.Thr130Ile (NM_001347828.2); c.353C>T, p.Thr118Ile (NM_001347830.2); short protein forms T118I, T130I, T105I.
Identifiers: ClinVar variation 2007215 (VCV002007215.4), dbSNP rs753461949, ClinGen allele CA2922266.